The following is an entry in ClinVar:

ClinVar aggregate classification (germline): Uncertain significance (1 of 4 stars; one submission).

Conditions:
Neuroblastoma, susceptibility to, 3. Also called: ALK-Related Neuroblastic Tumor Susceptibility. Identifiers: Orphanet 635, MedGen C2751681, MONDO:0013083, OMIM 613014.

Submission:

Labcorp Genetics (formerly Invitae), Labcorp
Classification: Uncertain significance for Neuroblastoma, susceptibility to, 3. Last evaluated: 2022-04-13. Review status: criteria provided, single submitter. Criteria: Invitae Variant Classification Sherloc (09022015). Collection method: clinical testing. Allele origin: germline.
Comment: In summary, the available evidence is currently insufficient to determine the role of this variant in disease. Therefore, it has been classified as a Variant of Uncertain Significance. Algorithms developed to predict the effect of missense changes on protein structure and function (SIFT, PolyPhen-2, Align-GVGD) all suggest that this variant is likely to be tolerated. This variant has not been reported in the literature in individuals affected with ALK-related conditions. This variant is not present in population databases (gnomAD no frequency). This sequence change replaces tyrosine, which is neutral and polar, with phenylalanine, which is neutral and non-polar, at codon 240 of the ALK protein (p.Tyr240Phe).

NM_004304.5(ALK):c.719A>T (p.Tyr240Phe)

Gene: ALK (ALK receptor tyrosine kinase; minus strand). Cytogenetic location: 2p23.2.
Variant type: single nucleotide variant.
Coding change: c.719A>T on transcript NM_004304.5 (MANE Select); coding-DNA position 719, A replaced by T.
Protein change: p.Tyr240Phe; replaces tyrosine 240 with phenylalanine.
Molecular consequence: missense variant.
Genome position (GRCh38, 1-based): chr2:29,717,646, T>A on the plus strand (A>T on the coding strand, the complement: ALK is on the minus strand). VCF-style: chr2-29717646-T-A. GRCh37 (hg19) VCF-style: chr2-29940512-T-A.
Other names: short protein forms Y240F.
Identifiers: ClinVar variation 2125869 (VCV002125869.4), dbSNP rs550608288, ClinGen allele CA346587753.